The following is an entry in ClinVar:

NM_002472.3(MYH8):c.3532C>T (p.Arg1178Cys)

Genes: MYHAS (myosin heavy chain gene cluster antisense RNA; plus strand), MYH8 (myosin heavy chain 8; minus strand), LOC126862494 (BRD4-independent group 4 enhancer GRCh37_chr17:10303826-10305025; plus strand). Cytogenetic location: 17p13.1.
Variant type: single nucleotide variant.
Coding change: c.3532C>T on transcript NM_002472.3 (MANE Select); coding-DNA position 3532, C replaced by T.
Protein change: p.Arg1178Cys; replaces arginine 1178 with cysteine.
Molecular consequence: missense variant.
Genome position (GRCh38, 1-based): chr17:10,400,593, G>A on the plus strand (C>T on the coding strand, the complement: MYH8 is on the minus strand). VCF-style: chr17-10400593-G-A. GRCh37 (hg19) VCF-style: chr17-10303910-G-A.
Other names: short protein forms R1178C.
Identifiers: ClinVar variation 211563 (VCV000211563.12), dbSNP rs142073810, ClinGen allele CA206127.

ClinVar aggregate classification (germline): Conflicting classifications of pathogenicity. Review status: criteria provided, conflicting classifications (1 of 4 stars). 4 submissions from 4 submitters: Uncertain significance (2); Likely benign (1). 1 of the submissions does not count toward it. Last evaluated 2020-08-25.

Conditions:
Hecht syndrome (DA7). Also called: MOUTH, INABILITY TO OPEN COMPLETELY, AND SHORT FINGER-FLEXOR TENDONS; Dutch-Kentucky syndrome. Identifiers: Orphanet 3377, MedGen C0265226, MONDO:0008016, OMIM 158300. Disease mechanism: gain of function.
MYH8-related disorder. Also called: MYH8-related condition.
Carney complex - trismus - pseudocamptodactyly syndrome. Identifiers: Orphanet 319340, MedGen C1837245, MONDO:0012137, OMIM 608837.

Allele frequency attached by ClinVar (database versions not stated): TOPMed 0.00066; gnomAD 0.00068; ExAC 0.00089; gnomAD exomes 0.00099 and 0.00048; ESP Exome Variant Server 0.00062.
gnomAD v4.1: 879 of 1,614,074 alleles (0.054%); highest among the groups gnomAD compares: Non-Finnish European, 0.0095%; 4 homozygotes.

Submissions (4):

Department of Pathology and Laboratory Medicine, Sinai Health System
Classification: Likely benign for Hecht syndrome; Carney complex - trismus - pseudocamptodactyly syndrome. Last evaluated: 2020-08-25. Review status: criteria provided, single submitter. Criteria: ACMG Guidelines, 2015. Collection method: research. Allele origin: germline.

Illumina Laboratory Services, Illumina
Classification: Uncertain significance for Hecht syndrome. Last evaluated: 2018-01-13. Review status: criteria provided, single submitter. Criteria: ICSL Variant Classification Criteria 13 December 2019. Collection method: clinical testing. Allele origin: germline.

Genetic Services Laboratory, University of Chicago
Classification: Uncertain significance. Last evaluated: 2015-03-05. Review status: criteria provided, single submitter. Criteria: ACMG Guidelines, 2015. Collection method: clinical testing. Allele origin: germline.

PreventionGenetics, part of Exact Sciences
Classification: Benign for MYH8-related condition. Last evaluated: 2019-07-15. Review status: no assertion criteria provided. Collection method: clinical testing. Allele origin: germline. Not counted in ClinVar's aggregate classification.
Comment: This variant is classified as benign based on ACMG/AMP sequence variant interpretation guidelines (Richards et al. 2015 PMID: 25741868, with internal and published modifications).